The following is an entry in ClinVar:

NM_014249.4(NR2E3):c.50_51insAG (p.Pro18fs)

Gene: NR2E3 (nuclear receptor subfamily 2 group E member 3; plus strand). Cytogenetic location: 15q23.
Variant type: Insertion.
Coding change: c.50_51insAG on transcript NM_014249.4 (MANE Select); coding-DNA positions 50 to 51, AG inserted.
Protein change: p.Pro18fs; shifts the reading frame from proline 18.
Molecular consequence: frameshift variant.
Genome position: GRCh38 VCF-style: chr15-71810793-C-CAG. GRCh37 (hg19) VCF-style: chr15-72103133-C-CAG.
Other names: c.50_51insAG, p.Pro18fs (NM_016346.4); short protein forms P18fs.
Identifiers: ClinVar variation 1453596 (VCV001453596.6), dbSNP rs2140287858, ClinGen allele CA2573151134.

ClinVar aggregate classification (germline): Pathogenic (1 of 4 stars; one submission).

Submission:

Labcorp Genetics (formerly Invitae), Labcorp
Classification: Pathogenic. Last evaluated: 2021-07-28. Review status: criteria provided, single submitter. Criteria: Invitae Variant Classification Sherloc (09022015). Collection method: clinical testing. Allele origin: germline.
Comment: For these reasons, this variant has been classified as Pathogenic. This variant has not been reported in the literature in individuals affected with NR2E3-related conditions. This variant is not present in population databases (ExAC no frequency). This sequence change creates a premature translational stop signal (p.Pro18Glyfs*25) in the NR2E3 gene. It is expected to result in an absent or disrupted protein product. Loss-of-function variants in NR2E3 are known to be pathogenic (PMID: 15459973, 27522502).

Literature cited by the submitters: PubMed 15459973; PubMed 27522502.